The following is an entry in ClinVar:

NM_024665.7(TBL1XR1):c.533A>G (p.Asn178Ser)

Gene: TBL1XR1 (TBL1X/Y related 1; minus strand). Cytogenetic location: 3q26.32.
Variant type: single nucleotide variant.
Coding change: c.533A>G on transcript NM_024665.7 (MANE Select); coding-DNA position 533, A replaced by G.
Protein change: p.Asn178Ser; replaces asparagine 178 with serine.
Molecular consequence: missense variant.
Genome position (GRCh38, 1-based): chr3:177,050,505, T>C on the plus strand (A>G on the coding strand, the complement: TBL1XR1 is on the minus strand). VCF-style: chr3-177050505-T-C. GRCh37 (hg19) VCF-style: chr3-176768293-T-C.
Other names: c.533A>G, p.Asn178Ser (NM_001321193.3, NM_001321194.3, NM_001374327.1 and 2 more transcripts); c.272A>G, p.Asn91Ser (NM_001321195.3, NM_001374330.1); short protein forms N91S, N178S.
Identifiers: ClinVar variation 2819963 (VCV002819963.3), dbSNP rs2473724699, ClinGen allele CA355552769.

ClinVar aggregate classification (germline): Uncertain significance (1 of 4 stars; one submission).

Conditions:
Pierpont syndrome (PRPTS). Identifiers: Orphanet 487825, MedGen C1865644, MONDO:0011213, OMIM 602342.

Submission:

Labcorp Genetics (formerly Invitae), Labcorp
Classification: Uncertain significance for Pierpont syndrome. Last evaluated: 2022-12-10. Review status: criteria provided, single submitter. Criteria: Invitae Variant Classification Sherloc (09022015). Collection method: clinical testing. Allele origin: germline.
Comment: Algorithms developed to predict the effect of missense changes on protein structure and function (SIFT, PolyPhen-2, Align-GVGD) all suggest that this variant is likely to be disruptive. In summary, the available evidence is currently insufficient to determine the role of this variant in disease. Therefore, it has been classified as a Variant of Uncertain Significance. This sequence change replaces asparagine, which is neutral and polar, with serine, which is neutral and polar, at codon 178 of the TBL1XR1 protein (p.Asn178Ser). This variant is not present in population databases (gnomAD no frequency). This variant has not been reported in the literature in individuals affected with TBL1XR1-related conditions.